The following is an entry in ClinVar:

ClinVar aggregate classification (germline): Likely benign. Review status: criteria provided, multiple submitters, no conflicts (2 of 4 stars). 2 submissions from 2 submitters: Likely benign (2). Last evaluated 2026-04-01.

Conditions:
Dilated cardiomyopathy 1G (CMD1G). Identifiers: Orphanet 154, MedGen C1858763, MONDO:0011400, OMIM 604145.
Autosomal recessive limb-girdle muscular dystrophy type 2J (LGMDR10). Also called: MUSCULAR DYSTROPHY, LIMB-GIRDLE, AUTOSOMAL RECESSIVE 10; Limb-girdle muscular dystrophy, type 2J. Identifiers: Orphanet 140922, MedGen C1837342, MONDO:0012127, OMIM 608807.

gnomAD v4.1: 2 of 1,610,076 alleles (0.00012%); highest among the groups gnomAD compares: Non-Finnish European, 0.00017%; no homozygotes.

Submissions (2):

CeGaT Center for Human Genetics Tuebingen
Classification: Likely benign. Last evaluated: 2026-04-01. Review status: criteria provided, single submitter. Criteria: CeGaT Center For Human Genetics Tuebingen Variant Classification Criteria Version 2. Collection method: clinical testing. Allele origin: germline. Affected: yes. Observed: 1 variant allele.
Comment: TTN: BP4, BP7

Labcorp Genetics (formerly Invitae), Labcorp
Classification: Likely benign for Dilated cardiomyopathy 1G; Autosomal recessive limb-girdle muscular dystrophy type 2J. Last evaluated: 2022-05-12. Review status: criteria provided, single submitter. Criteria: Invitae Variant Classification Sherloc (09022015). Collection method: clinical testing. Allele origin: germline.

NM_001267550.2(TTN):c.97695T>C (p.Thr32565=)

Genes: TTN (titin; minus strand), TTN-AS1 (TTN antisense RNA 1; plus strand). Cytogenetic location: 2q31.2.
Variant type: single nucleotide variant.
Coding change: c.97695T>C on transcript NM_001267550.2 (MANE Select); coding-DNA position 97695, T replaced by C.
Protein change: p.Thr32565=; no amino-acid change (threonine 32565 retained).
Molecular consequence: synonymous variant.
Genome position (GRCh38, 1-based): chr2:178,541,382, A>G on the plus strand (T>C on the coding strand, the complement: TTN is on the minus strand). VCF-style: chr2-178541382-A-G. GRCh37 (hg19) VCF-style: chr2-179406109-A-G.
Other names: c.92772T>C, p.Thr30924= (NM_001256850.1); c.70500T>C, p.Thr23500= (NM_003319.4); c.89991T>C, p.Thr29997= (NM_133378.4); c.70875T>C, p.Thr23625= (NM_133432.3); c.71076T>C, p.Thr23692= (NM_133437.4).
Identifiers: ClinVar variation 1547116 (VCV001547116.10), dbSNP rs2154141565, ClinGen allele CA430096508.